The following is an entry in ClinVar:

NM_018979.4(WNK1):c.192C>T (p.Asp64=)

Gene: WNK1 (WNK lysine deficient protein kinase 1; plus strand). Cytogenetic location: 12p13.33.
Variant type: single nucleotide variant.
Coding change: c.192C>T on transcript NM_018979.4 (MANE Select); coding-DNA position 192, C replaced by T.
Protein change: p.Asp64=; no amino-acid change (aspartic acid 64 retained).
Molecular consequence: synonymous variant.
Genome position (GRCh38, 1-based): chr12:753,757, C>T. VCF-style: chr12-753757-C-T. GRCh37 (hg19) VCF-style: chr12-862923-C-T.
Other names: c.192C>T, p.Asp64= (NM_001184985.2, NM_014823.3, NM_213655.5).
Identifiers: ClinVar variation 471170 (VCV000471170.22), dbSNP rs756914631, ClinGen allele CA6381737.

ClinVar aggregate classification (germline): Likely benign. Review status: criteria provided, multiple submitters, no conflicts (2 of 4 stars). 3 submissions from 3 submitters: Likely benign (3). Last evaluated 2025-12-23.

Conditions:
Neuropathy, hereditary sensory and autonomic, type 2A (HSAN2A). Also called: WNK1-Related HSAN2 (HSAN2A); MORVAN DISEASE; NEUROPATHY, CONGENITAL SENSORY; NEUROPATHY, HEREDITARY SENSORY RADICULAR, AUTOSOMAL RECESSIVE; NEUROPATHY, HEREDITARY SENSORY, TYPE IIA; NEUROPATHY, PROGRESSIVE SENSORY, OF CHILDREN. Identifiers: Orphanet 970, MedGen C2752089, MONDO:0024309, OMIM 201300.
Pseudohypoaldosteronism type 2C (PHA2C). Also called: Pseudohypoaldosteronism Type IIC. Identifiers: Orphanet 757, Orphanet 88940, MedGen C1840391, MONDO:0013778, OMIM 614492.

Allele frequency attached by ClinVar (database versions not stated): gnomAD exomes 0.00011 and 0.00018; ExAC 0.00014; gnomAD 0.00017 and 0.00019; TOPMed 0.00034.
gnomAD v4.1: 215 of 1,612,356 alleles (0.013%); highest among the groups gnomAD compares: Middle Eastern, 0.099%; no homozygotes.

Submissions (3):

Labcorp Genetics (formerly Invitae), Labcorp
Classification: Likely benign for Neuropathy, hereditary sensory and autonomic, type 2A; Pseudohypoaldosteronism type 2C. Last evaluated: 2025-12-23. Review status: criteria provided, single submitter. Criteria: Invitae Variant Classification Sherloc (09022015). Collection method: clinical testing. Allele origin: germline.

CeGaT Center for Human Genetics Tuebingen
Classification: Likely benign. Last evaluated: 2025-06-01. Review status: criteria provided, single submitter. Criteria: CeGaT Center For Human Genetics Tuebingen Variant Classification Criteria Version 2. Collection method: clinical testing. Allele origin: germline. Affected: yes. Observed: 1 variant allele.
Comment: WNK1: BP4, BP7

Fulgent Genetics
Classification: Likely benign for Neuropathy, hereditary sensory and autonomic, type 2A; Pseudohypoaldosteronism type 2C. Last evaluated: 2021-09-23. Review status: criteria provided, single submitter. Criteria: ACMG Guidelines, 2015. Collection method: clinical testing. Allele origin: unknown.